The following is an entry in ClinVar:

NM_018941.4(CLN8):c.344G>C (p.Cys115Ser)

Gene: CLN8 (CLN8 transmembrane ER and ERGIC protein; plus strand). Cytogenetic location: 8p23.3.
Variant type: single nucleotide variant.
Coding change: c.344G>C on transcript NM_018941.4 (MANE Select); coding-DNA position 344, G replaced by C.
Protein change: p.Cys115Ser; replaces cysteine 115 with serine.
Molecular consequence: missense variant.
Genome position (GRCh38, 1-based): chr8:1,771,398, G>C. VCF-style: chr8-1771398-G-C. GRCh37 (hg19) VCF-style: chr8-1719564-G-C.
Other names: short protein forms C115S.
Identifiers: ClinVar variation 1916590 (VCV001916590.2), dbSNP rs1375303850, ClinGen allele CA369953368.

ClinVar aggregate classification (germline): Uncertain significance (1 of 4 stars; one submission).

Conditions:
Neuronal ceroid lipofuscinosis. Also called: Neuronal Ceroid Lipofuscinoses. Identifiers: Orphanet 216, Orphanet 79263, MedGen C0027877, MONDO:0016295. Disease mechanism: loss of function.

Allele frequency attached by ClinVar (database versions not stated): gnomAD exomes below 0.00001.
gnomAD v4.1: 1 of 1,614,174 alleles (0.000062%); highest among the groups gnomAD compares: Admixed American, 0.0017%; no homozygotes.

Submission:

Labcorp Genetics (formerly Invitae), Labcorp
Classification: Uncertain significance for Neuronal ceroid lipofuscinosis. Last evaluated: 2022-06-15. Review status: criteria provided, single submitter. Criteria: Invitae Variant Classification Sherloc (09022015). Collection method: clinical testing. Allele origin: germline.
Comment: This sequence change replaces cysteine, which is neutral and slightly polar, with serine, which is neutral and polar, at codon 115 of the CLN8 protein (p.Cys115Ser). This variant is present in population databases (no rsID available, gnomAD 0.003%). This variant has not been reported in the literature in individuals affected with CLN8-related conditions. Advanced modeling of protein sequence and biophysical properties (such as structural, functional, and spatial information, amino acid conservation, physicochemical variation, residue mobility, and thermodynamic stability) performed at Invitae indicates that this missense variant is not expected to disrupt CLN8 protein function. In summary, the available evidence is currently insufficient to determine the role of this variant in disease. Therefore, it has been classified as a Variant of Uncertain Significance.